The following is an entry in ClinVar:

NM_000137.4(FAH):c.879C>A (p.Tyr293Ter)

Gene: FAH (fumarylacetoacetate hydrolase; plus strand). Cytogenetic location: 15q25.1.
Variant type: single nucleotide variant.
Coding change: c.879C>A on transcript NM_000137.4 (MANE Select); coding-DNA position 879, C replaced by A.
Protein change: p.Tyr293Ter; replaces tyrosine 293 with a stop codon.
Molecular consequence: nonsense.
Genome position (GRCh38, 1-based): chr15:80,175,057, C>A. VCF-style: chr15-80175057-C-A. GRCh37 (hg19) VCF-style: chr15-80467399-C-A.
Other names: c.879C>A, p.Tyr293Ter (NM_001374377.1, NM_001374380.1); short protein forms Y293*.
Identifiers: ClinVar variation 2675357 (VCV002675357.4), dbSNP rs2041271232, ClinGen allele CA393621245.

ClinVar aggregate classification (germline): Pathogenic/Likely pathogenic. Review status: criteria provided, multiple submitters, no conflicts (2 of 4 stars). 2 submissions from 2 submitters: Pathogenic (1); Likely pathogenic (1). Last evaluated 2023-06-26.

Conditions:
Tyrosinemia type I (TYRSN1). Also called: Tyrosinemia type 1; Fumarylacetoacetase deficiency; Deficiency of fumarylacetoacetase; FAH DEFICIENCY; HEPATORENAL TYROSINEMIA. Identifiers: Orphanet 882, MedGen C0268490, MONDO:0010161, OMIM 276700. Disease mechanism: loss of function.

Allele frequency attached by ClinVar (database versions not stated): gnomAD exomes below 0.00001.
gnomAD v4.1: 1 of 1,614,194 alleles (0.000062%); highest among the groups gnomAD compares: Non-Finnish European, 0.000085%; no homozygotes.

Submissions (2):

Baylor Genetics
Classification: Likely pathogenic for Tyrosinemia type I. Last evaluated: 2023-06-26. Review status: criteria provided, single submitter. Criteria: ACMG Guidelines, 2015. Collection method: clinical testing. Allele origin: unknown.

Labcorp Genetics (formerly Invitae), Labcorp
Classification: Pathogenic for Tyrosinemia type I. Last evaluated: 2023-05-08. Review status: criteria provided, single submitter. Criteria: Invitae Variant Classification Sherloc (09022015). Collection method: clinical testing. Allele origin: germline.
Comment: For these reasons, this variant has been classified as Pathogenic. This variant has not been reported in the literature in individuals affected with FAH-related conditions. This variant is not present in population databases (gnomAD no frequency). This sequence change creates a premature translational stop signal (p.Tyr293*) in the FAH gene. It is expected to result in an absent or disrupted protein product. Loss-of-function variants in FAH are known to be pathogenic (PMID: 9101289, 9633815).

Literature cited by the submitters: PubMed 9101289 (cited by Labcorp Genetics (formerly Invitae), Labcorp); PubMed 9633815 (cited by Labcorp Genetics (formerly Invitae), Labcorp).